The following is an entry in ClinVar:

ClinVar aggregate classification (germline): Uncertain significance (1 of 4 stars; one submission).

gnomAD v4.1: 4 of 1,551,646 alleles (0.00026%); highest among the groups gnomAD compares: East Asian, 0.0024%; no homozygotes.

Submission:

GeneDx
Classification: Uncertain significance. Last evaluated: 2025-06-03. Review status: criteria provided, single submitter. Criteria: GeneDx Variant Classification Process June 2021. Collection method: clinical testing. Allele origin: germline. Affected: yes.
Comment: Has not been previously published as pathogenic or benign to our knowledge; In silico analysis suggests this variant may impact gene splicing. In the absence of RNA/functional studies, the actual effect of this sequence change is unknown.

NM_001142966.3(GREB1L):c.3201G>A (p.Thr1067=)

Gene: GREB1L (GREB1 like retinoic acid receptor coactivator; plus strand). Cytogenetic location: 18q11.1.
Variant type: single nucleotide variant.
Coding change: c.3201G>A on transcript NM_001142966.3 (MANE Select); coding-DNA position 3201, G replaced by A.
Protein change: p.Thr1067=; no amino-acid change (threonine 1067 retained).
Molecular consequence: synonymous variant.
Genome position (GRCh38, 1-based): chr18:21,496,508, G>A. VCF-style: chr18-21496508-G-A. GRCh37 (hg19) VCF-style: chr18-19076469-G-A.
Other names: c.3330G>A, p.Thr1110= (NM_001410867.1); c.2874G>A, p.Thr958= (NM_001410868.1).
Identifiers: ClinVar variation 4536602 (VCV004536602.1).